The following is an entry in ClinVar:

NM_005762.3(TRIM28):c.133T>G (p.Ser45Ala)

Genes: TRIM28 (tripartite motif containing 28; plus strand), LOC130065239 (ATAC-STARR-seq lymphoblastoid silent region 11093; plus strand). Cytogenetic location: 19q13.43.
Variant type: single nucleotide variant.
Coding change: c.133T>G on transcript NM_005762.3 (MANE Select); coding-DNA position 133, T replaced by G.
Protein change: p.Ser45Ala; replaces serine 45 with alanine.
Molecular consequence: missense variant.
Genome position (GRCh38, 1-based): chr19:58,544,890, T>G. VCF-style: chr19-58544890-T-G. GRCh37 (hg19) VCF-style: chr19-59056257-T-G.
Other names: short protein forms S45A.
Identifiers: ClinVar variation 3727719 (VCV003727719.2).

ClinVar aggregate classification (germline): Uncertain significance (1 of 4 stars; one submission).

Submission:

Labcorp Genetics (formerly Invitae), Labcorp
Classification: Uncertain significance. Last evaluated: 2024-12-22. Review status: criteria provided, single submitter. Criteria: Invitae Variant Classification Sherloc (09022015). Collection method: clinical testing. Allele origin: germline.
Comment: This sequence change replaces serine, which is neutral and polar, with alanine, which is neutral and non-polar, at codon 45 of the TRIM28 protein (p.Ser45Ala). This variant is not present in population databases (gnomAD no frequency). This variant has not been reported in the literature in individuals affected with TRIM28-related conditions. An algorithm developed to predict the effect of missense changes on protein structure and function outputs the following: PolyPhen-2: "Not Available". The alanine amino acid residue is found in multiple mammalian species, which suggests that this missense change does not adversely affect protein function. In summary, the available evidence is currently insufficient to determine the role of this variant in disease. Therefore, it has been classified as a Variant of Uncertain Significance.